The following is an entry in ClinVar:

NM_001365951.3(KIF1B):c.3440A>T (p.Asp1147Val)

Gene: KIF1B (kinesin family member 1B; plus strand). Cytogenetic location: 1p36.22.
Variant type: single nucleotide variant.
Coding change: c.3440A>T on transcript NM_001365951.3 (MANE Select); coding-DNA position 3440, A replaced by T.
Protein change: p.Asp1147Val; replaces aspartic acid 1147 with valine.
Molecular consequence: missense variant.
Genome position (GRCh38, 1-based): chr1:10,339,786, A>T. VCF-style: chr1-10339786-A-T. GRCh37 (hg19) VCF-style: chr1-10399844-A-T.
Other names: c.3440A>T, p.Asp1147Val (NM_001365952.1); c.3302A>T, p.Asp1101Val (NM_015074.3); short protein forms D1101V, D1147V.
Identifiers: ClinVar variation 2448802 (VCV002448802.5), dbSNP rs2521737807, ClinGen allele CA338340940.

ClinVar aggregate classification (germline): Uncertain significance. Review status: criteria provided, multiple submitters, no conflicts (2 of 4 stars). 2 submissions from 2 submitters: Uncertain significance (2). Last evaluated 2023-05-11.

Conditions:
Charcot-Marie-Tooth disease type 2. Also called: Charcot-Marie-Tooth type 2. Identifiers: Orphanet 64746, MedGen C0270914, MONDO:0018993.

Submissions (2):

Labcorp Genetics (formerly Invitae), Labcorp
Classification: Uncertain significance for Charcot-Marie-Tooth disease type 2. Last evaluated: 2023-05-11. Review status: criteria provided, single submitter. Criteria: Invitae Variant Classification Sherloc (09022015). Collection method: clinical testing. Allele origin: germline.
Comment: In summary, the available evidence is currently insufficient to determine the role of this variant in disease. Therefore, it has been classified as a Variant of Uncertain Significance. This sequence change replaces aspartic acid, which is acidic and polar, with valine, which is neutral and non-polar, at codon 1101 of the KIF1B protein (p.Asp1101Val). This variant is not present in population databases (gnomAD no frequency). This variant has not been reported in the literature in individuals affected with KIF1B-related conditions. ClinVar contains an entry for this variant (Variation ID: 2448802). An algorithm developed to predict the effect of missense changes on protein structure and function (PolyPhen-2) suggests that this variant is likely to be disruptive.

Ambry Genetics
Classification: Uncertain significance. Last evaluated: 2023-03-14. Review status: criteria provided, single submitter. Criteria: Ambry Variant Classification Scheme 2023. Collection method: clinical testing. Allele origin: germline.
Comment: The p.D1101V variant (also known as c.3302A>T), located in coding exon 29 of the KIF1B gene, results from an A to T substitution at nucleotide position 3302. The aspartic acid at codon 1101 is replaced by valine, an amino acid with highly dissimilar properties. This amino acid position is conserved. In addition, this alteration is predicted to be deleterious by in silico analysis. Since supporting evidence is limited at this time, the clinical significance of this alteration remains unclear.